The following is an entry in ClinVar:

NM_003482.4(KMT2D):c.12466C>T (p.Gln4156Ter)

Gene: KMT2D (lysine methyltransferase 2D; minus strand). Cytogenetic location: 12q13.12.
Variant type: single nucleotide variant.
Coding change: c.12466C>T on transcript NM_003482.4 (MANE Select); coding-DNA position 12466, C replaced by T.
Protein change: p.Gln4156Ter; replaces glutamine 4156 with a stop codon.
Molecular consequence: nonsense.
Genome position (GRCh38, 1-based): chr12:49,032,239, G>A on the plus strand (C>T on the coding strand, the complement: KMT2D is on the minus strand). VCF-style: chr12-49032239-G-A. GRCh37 (hg19) VCF-style: chr12-49426022-G-A.
Other names: short protein forms Q4156*.
Identifiers: ClinVar variation 430069 (VCV000430069.2), dbSNP rs1131691768, ClinGen allele CA384711420.

ClinVar aggregate classification (germline): Pathogenic (1 of 4 stars; one submission).

Submission:

GeneDx
Classification: Pathogenic. Last evaluated: 2015-11-17. Review status: criteria provided, single submitter. Criteria: GeneDx Variant Classification (06012015). Collection method: clinical testing. Allele origin: germline. Affected: yes.
Comment: The Q4156X nonsense variant in the KMT2D gene is predicted to cause loss of normal proteinfunction either through protein truncation or nonsense-mediated mRNA decay. This variant wasnot observed in approximately 6,100 individuals of European and African American ancestry inthe NHLBI Exome Sequencing Project, indicating it is not a common benign variant in thesepopulations. Although this variant has not been reported previously to our knowledge, we interpret it as pathogenic.